The following is an entry in ClinVar:

ClinVar aggregate classification (germline): Uncertain significance (1 of 4 stars; one submission).

Allele frequency attached by ClinVar (database versions not stated): TOPMed below 0.00001; gnomAD exomes 0.00001; ExAC 0.00002.
gnomAD v4.1: 3 of 1,613,572 alleles (0.00019%); highest among the groups gnomAD compares: Non-Finnish European, 0.00025%; no homozygotes.

Submission:

GeneDx
Classification: Uncertain significance. Last evaluated: 2022-03-29. Review status: criteria provided, single submitter. Criteria: GeneDx Variant Classification Process June 2021. Collection method: clinical testing. Allele origin: germline. Affected: yes.
Comment: Not observed at significant frequency in large population cohorts (gnomAD); In silico analysis supports that this missense variant does not alter protein structure/function; Has not been previously published as pathogenic or benign to our knowledge

NM_017649.5(CNNM2):c.2603G>T (p.Ser868Ile)

Gene: CNNM2 (cyclin and CBS domain divalent metal cation transport mediator 2; plus strand). Cytogenetic location: 10q24.32.
Variant type: single nucleotide variant.
Coding change: c.2603G>T on transcript NM_017649.5 (MANE Select); coding-DNA position 2603, G replaced by T.
Protein change: p.Ser868Ile; replaces serine 868 with isoleucine.
Molecular consequence: missense variant.
Genome position (GRCh38, 1-based): chr10:103,077,155, G>T. VCF-style: chr10-103077155-G-T. GRCh37 (hg19) VCF-style: chr10-104836912-G-T.
Other names: c.2537G>T, p.Ser846Ile (NM_199076.3); short protein forms S846I, S868I.
Identifiers: ClinVar variation 1707757 (VCV001707757.2), dbSNP rs776439020, ClinGen allele CA5670654.